The following is an entry in ClinVar:

NM_020347.4(LZTFL1):c.55C>T (p.Arg19Cys)

Gene: LZTFL1 (leucine zipper transcription factor like 1; minus strand). Cytogenetic location: 3p21.31.
Variant type: single nucleotide variant.
Coding change: c.55C>T on transcript NM_020347.4 (MANE Select); coding-DNA position 55, C replaced by T.
Protein change: p.Arg19Cys; replaces arginine 19 with cysteine.
Molecular consequence: missense variant. On other transcripts: intron variant (1).
Genome position (GRCh38, 1-based): chr3:45,838,000, G>A on the plus strand (C>T on the coding strand, the complement: LZTFL1 is on the minus strand). VCF-style: chr3-45838000-G-A. GRCh37 (hg19) VCF-style: chr3-45879492-G-A.
Other names: c.4C>T, p.Arg2Cys (NM_001276378.2, NM_001386451.1); c.55C>T, p.Arg19Cys (NM_001386452.1); c.117-2216C>T (NM_001276379.2); short protein forms R19C, R2C.
Identifiers: ClinVar variation 1478578 (VCV001478578.8), dbSNP rs759640480, ClinGen allele CA2352023.

ClinVar aggregate classification (germline): Uncertain significance (1 of 4 stars; one submission).

Allele frequency attached by ClinVar (database versions not stated): gnomAD 0.00001.
gnomAD v4.1: 72 of 1,612,642 alleles (0.0045%); highest among the groups gnomAD compares: South Asian, 0.0055%; no homozygotes.

Submission:

Labcorp Genetics (formerly Invitae), Labcorp
Classification: Uncertain significance. Last evaluated: 2022-11-01. Review status: criteria provided, single submitter. Criteria: Invitae Variant Classification Sherloc (09022015). Collection method: clinical testing. Allele origin: germline.
Comment: This variant has not been reported in the literature in individuals affected with LZTFL1-related conditions. This variant is present in population databases (rs759640480, gnomAD 0.005%). ClinVar contains an entry for this variant (Variation ID: 1478578). Advanced modeling of protein sequence and biophysical properties (such as structural, functional, and spatial information, amino acid conservation, physicochemical variation, residue mobility, and thermodynamic stability) performed at Invitae indicates that this missense variant is not expected to disrupt LZTFL1 protein function. Algorithms developed to predict the effect of sequence changes on RNA splicing suggest that this variant may disrupt the consensus splice site. In summary, the available evidence is currently insufficient to determine the role of this variant in disease. Therefore, it has been classified as a Variant of Uncertain Significance. This sequence change replaces arginine, which is basic and polar, with cysteine, which is neutral and slightly polar, at codon 19 of the LZTFL1 protein (p.Arg19Cys).